The following is an entry in ClinVar:

ClinVar aggregate classification (germline): Uncertain significance. Review status: criteria provided, multiple submitters, no conflicts (2 of 4 stars). 2 submissions from 2 submitters: Uncertain significance (2). Last evaluated 2023-08-15.

Conditions:
MEGF10-related myopathy (CMYO10A). Also called: Congenital myopathy 10A, severe variant. Identifiers: Orphanet 439212, MedGen C3280679, MONDO:0013731, OMIM 614399.

Allele frequency attached by ClinVar (database versions not stated): TOPMed 0.00010.
gnomAD v4.1: 22 of 1,613,800 alleles (0.0014%); highest among the groups gnomAD compares: East Asian, 0.038%; no homozygotes.

Submissions (2):

Blueprint Genetics
Classification: Uncertain significance. Last evaluated: 2023-08-15. Review status: criteria provided, single submitter. Criteria: ACMG Guidelines, 2015. Collection method: clinical testing. Allele origin: germline.

Labcorp Genetics (formerly Invitae), Labcorp
Classification: Uncertain significance for MEGF10-related myopathy. Last evaluated: 2022-07-19. Review status: criteria provided, single submitter. Criteria: Invitae Variant Classification Sherloc (09022015). Collection method: clinical testing. Allele origin: germline.
Comment: In summary, the available evidence is currently insufficient to determine the role of this variant in disease. Therefore, it has been classified as a Variant of Uncertain Significance. Algorithms developed to predict the effect of missense changes on protein structure and function are either unavailable or do not agree on the potential impact of this missense change (SIFT: "Deleterious"; PolyPhen-2: "Probably Damaging"; Align-GVGD: "Class C15"). ClinVar contains an entry for this variant (Variation ID: 856255). This variant has not been reported in the literature in individuals affected with MEGF10-related conditions. This variant is present in population databases (rs150043761, gnomAD 0.1%). This sequence change replaces threonine, which is neutral and polar, with methionine, which is neutral and non-polar, at codon 533 of the MEGF10 protein (p.Thr533Met).

NM_001256545.2(MEGF10):c.1598C>T (p.Thr533Met)

Gene: MEGF10 (multiple EGF like domains 10; plus strand). Cytogenetic location: 5q23.2.
Variant type: single nucleotide variant.
Coding change: c.1598C>T on transcript NM_001256545.2 (MANE Select); coding-DNA position 1598, C replaced by T.
Protein change: p.Thr533Met; replaces threonine 533 with methionine.
Molecular consequence: missense variant.
Genome position (GRCh38, 1-based): chr5:127,422,677, C>T. VCF-style: chr5-127422677-C-T. GRCh37 (hg19) VCF-style: chr5-126758369-C-T.
Other names: c.1598C>T, p.Thr533Met (NM_001308119.2, NM_001308121.2, NM_032446.3); short protein forms T533M.
Identifiers: ClinVar variation 856255 (VCV000856255.9), dbSNP rs150043761, ClinGen allele CA3391642.
Genomic context (GRCh38, chr5:127,422,677, plus strand): 5'-TTGTGGGATTTCCCAGGCCCTCATTGCTGCCTTTGATGCTGTTTTCCATGCAGGATGGCA[C>T]GTACGGGCTGAACTGTGCTGAGCGCTGCGACTGCAGCCACGCAGATGGCTGCCACCCTAC-3'
Protein context (NP_001243474.1, residues 523-543): EKCELPCQDG[Thr533Met]YGLNCAERCD